The following is an entry in ClinVar:

ClinVar aggregate classification (germline): Uncertain significance. Review status: criteria provided, multiple submitters, no conflicts (2 of 4 stars). 2 submissions from 2 submitters: Uncertain significance (2). Last evaluated 2025-02-08.

Conditions:
Inborn genetic diseases. Identifiers: MedGen C0950123, MeSH D030342.
Baller-Gerold syndrome (BGS). Also called: CRANIOSYNOSTOSIS WITH RADIAL DEFECTS. Identifiers: Orphanet 1225, MedGen C0265308, MONDO:0009039, OMIM 218600.

Submissions (2):

Ambry Genetics
Classification: Uncertain significance for Inborn genetic diseases. Last evaluated: 2025-02-08. Review status: criteria provided, single submitter. Criteria: Ambry Variant Classification Scheme 2023. Collection method: clinical testing. Allele origin: germline.
Comment: The p.K49N variant (also known as c.147G>C), located in coding exon 3 of the RECQL4 gene, results from a G to C substitution at nucleotide position 147. The lysine at codon 49 is replaced by asparagine, an amino acid with similar properties. This amino acid position is conserved. In addition, this alteration is predicted to be tolerated by in silico analysis. Based on the available evidence, the clinical significance of this variant remains unclear.

Labcorp Genetics (formerly Invitae), Labcorp
Classification: Uncertain significance for Baller-Gerold syndrome. Last evaluated: 2021-06-13. Review status: criteria provided, single submitter. Criteria: Invitae Variant Classification Sherloc (09022015). Collection method: clinical testing. Allele origin: germline.
Comment: This variant is not present in population databases (ExAC no frequency). This sequence change replaces lysine with asparagine at codon 49 of the RECQL4 protein (p.Lys49Asn). The lysine residue is highly conserved and there is a moderate physicochemical difference between lysine and asparagine. This variant has not been reported in the literature in individuals with RECQL4-related conditions. In summary, the available evidence is currently insufficient to determine the role of this variant in disease. Therefore, it has been classified as a Variant of Uncertain Significance. Experimental studies are conflicting or provide insufficient evidence to determine the effect of this variant on RECQL4 protein function (PMID: 22730300).

Literature cited by the submitters: PubMed 22730300 (cited by Labcorp Genetics (formerly Invitae), Labcorp).

NM_004260.4(RECQL4):c.147G>C (p.Lys49Asn)

Genes: RECQL4 (RecQ like helicase 4; minus strand), LOC130001411 (ATAC-STARR-seq lymphoblastoid silent region 19699; plus strand). Cytogenetic location: 8q24.3.
Variant type: single nucleotide variant.
Coding change: c.147G>C on transcript NM_004260.4 (MANE Select); coding-DNA position 147, G replaced by C.
Protein change: p.Lys49Asn; replaces lysine 49 with asparagine.
Molecular consequence: missense variant.
Genome position (GRCh38, 1-based): chr8:144,517,480, C>G on the plus strand (G>C on the coding strand, the complement: RECQL4 is on the minus strand). VCF-style: chr8-144517480-C-G. GRCh37 (hg19) VCF-style: chr8-145742864-C-G.
Other names: c.147G>C (NM_004260.3); short protein forms K49N.
Identifiers: ClinVar variation 1394298 (VCV001394298.5), dbSNP rs1815360727, ClinGen allele CA372692703.
Genomic context (GRCh38, chr8:144,517,480, plus strand): 5'-GGCCGCCGCGGGGAGCGACTCGGAGCTGCGGAGCCCGCCGCCGGCCTGGCCCGTGGTACG[C>G]TTCAGAGTGCGGTATTCCCGGTAGAGCGCTGCGTGGGCGAGCGGGAGGCGGGGTCAGGGT-3'
Protein context (NP_004251.4, residues 39-59): RALYREYRTL[Lys49Asn]RTTGQAGGGL